The following is an entry in ClinVar:

NM_032380.5(GFM2):c.1221-3C>T

Gene: GFM2 (GTP dependent ribosome recycling factor mitochondrial 2; minus strand). Cytogenetic location: 5q13.3.
Variant type: single nucleotide variant.
Coding change: c.1221-3C>T on transcript NM_032380.5 (MANE Select); 3 bases into the intron before coding-DNA position 1221, C replaced by T.
Molecular consequence: intron variant.
Genome position (GRCh38, 1-based): chr5:74,738,420, G>A on the plus strand (C>T on the coding strand, the complement: GFM2 is on the minus strand). VCF-style: chr5-74738420-G-A. GRCh37 (hg19) VCF-style: chr5-74034245-G-A.
Other names: p.?; c.1080-3C>T (NM_170691.3); c.1317-3C>T (NM_001281302.2); c.1221-3C>T (NM_170681.3).
Identifiers: ClinVar variation 137475 (VCV000137475.14), dbSNP rs7732843, ClinGen allele CA291079.
Genomic context (GRCh38, chr5:74,738,420, plus strand): 5'-TGAAGGGATTTCTACATGTTGGTCAGCAAACGGCAAAAGCAGACGACTTATTCTCTCCCT[G>A]TAAAATCACAATTTTATGTTAGTAAAAGTATTTTTAAAGAAGTGCATACAGTTTTATAAA-3'

ClinVar aggregate classification (germline): Benign. Review status: criteria provided, multiple submitters, no conflicts (2 of 4 stars). 5 submissions from 5 submitters: Benign (5). Last evaluated 2026-02-01.

Allele frequency attached by ClinVar (database versions not stated): gnomAD exomes 0.12140 and 0.12366; ExAC 0.12395; 1000 Genomes Project 0.13918; 1000 Genomes Project 30x 0.14444; gnomAD 0.16031 and 0.16502; TOPMed 0.16786; ESP Exome Variant Server 0.17231.
gnomAD v4.1: 205,476 of 1,612,208 alleles (13%); highest among the groups gnomAD compares: African/African-American, 28%; 14,627 homozygotes.

Submissions (40):

Labcorp Genetics (formerly Invitae), Labcorp
Classification: Benign. Last evaluated: 2026-02-01. Review status: criteria provided, single submitter. Criteria: Invitae Variant Classification Sherloc (09022015). Collection method: clinical testing. Allele origin: germline.

Blueprint Genetics
Classification: Benign. Last evaluated: 2024-11-26. Review status: criteria provided, single submitter. Criteria: ACMG Guidelines, 2015. Collection method: clinical testing. Allele origin: germline.

Mayo Clinic Laboratories, Mayo Clinic
Classification: Benign. Last evaluated: 2022-10-27. Review status: criteria provided, single submitter. Criteria: ACMG Guidelines, 2015. Collection method: clinical testing. Allele origin: germline. Observed: 71 variant alleles.

GeneDx
Classification: Benign. Last evaluated: 2013-09-17. Review status: criteria provided, single submitter. Criteria: GeneDx Variant Classification (06012015). Collection method: clinical testing. Allele origin: germline. Affected: yes.
Comment: This variant is considered likely benign or benign based on one or more of the following criteria: it is a conservative change, it occurs at a poorly conserved position in the protein, it is predicted to be benign by multiple in silico algorithms, and/or has population frequency not consistent with disease.

Breakthrough Genomics
Classification: Benign. Review status: criteria provided, single submitter. Criteria: ACMG Guidelines, 2015. Collection method: not provided. Allele origin: germline. Inheritance: Autosomal recessive inheritance. Affected: yes.

Dr. Peter K. Rogan Lab, Western University
No classification provided (evidence only). Condition: Malignant lymphoma, large B-cell, diffuse. Review status: no classification provided. Collection method: in vitro. Allele origin: not applicable. Functional consequence: retained intron. Not counted in ClinVar's aggregate classification.

Dr. Peter K. Rogan Lab, Western University
No classification provided (evidence only). Condition: Malignant lymphoma, large B-cell, diffuse. Review status: no classification provided. Collection method: in vitro. Allele origin: not applicable. Functional consequence: retained intron. Not counted in ClinVar's aggregate classification.

Dr. Peter K. Rogan Lab, Western University
No classification provided (evidence only). Condition: Malignant lymphoma, large B-cell, diffuse. Review status: no classification provided. Collection method: in vitro. Allele origin: not applicable. Functional consequence: retained intron. Not counted in ClinVar's aggregate classification.

Dr. Peter K. Rogan Lab, Western University
No classification provided (evidence only). Condition: Hepatocellular carcinoma. Review status: no classification provided. Collection method: in vitro. Allele origin: not applicable. Functional consequence: retained intron. Not counted in ClinVar's aggregate classification.

Dr. Peter K. Rogan Lab, Western University
No classification provided (evidence only). Condition: Germ cell tumor of testis. Review status: no classification provided. Collection method: in vitro. Allele origin: not applicable. Functional consequence: retained intron. Not counted in ClinVar's aggregate classification.

Dr. Peter K. Rogan Lab, Western University
No classification provided (evidence only). Condition: Uterine carcinosarcoma. Review status: no classification provided. Collection method: in vitro. Allele origin: not applicable. Functional consequence: retained intron. Not counted in ClinVar's aggregate classification.

Dr. Peter K. Rogan Lab, Western University
No classification provided (evidence only). Condition: Uterine carcinosarcoma. Review status: no classification provided. Collection method: in vitro. Allele origin: not applicable. Functional consequence: retained intron. Not counted in ClinVar's aggregate classification.

Dr. Peter K. Rogan Lab, Western University
No classification provided (evidence only). Condition: Uveal melanoma. Review status: no classification provided. Collection method: in vitro. Allele origin: not applicable. Functional consequence: retained intron. Not counted in ClinVar's aggregate classification.

Dr. Peter K. Rogan Lab, Western University
No classification provided (evidence only). Condition: Uveal melanoma. Review status: no classification provided. Collection method: in vitro. Allele origin: not applicable. Functional consequence: retained intron. Not counted in ClinVar's aggregate classification.

Dr. Peter K. Rogan Lab, Western University
No classification provided (evidence only). Condition: Chronic lymphocytic leukemia/small lymphocytic lymphoma. Review status: no classification provided. Collection method: in vitro. Allele origin: not applicable. Functional consequence: retained intron. Not counted in ClinVar's aggregate classification.

Dr. Peter K. Rogan Lab, Western University
No classification provided (evidence only). Condition: Chronic lymphocytic leukemia/small lymphocytic lymphoma. Review status: no classification provided. Collection method: in vitro. Allele origin: not applicable. Functional consequence: retained intron. Not counted in ClinVar's aggregate classification.

Dr. Peter K. Rogan Lab, Western University
No classification provided (evidence only). Condition: Chronic lymphocytic leukemia/small lymphocytic lymphoma. Review status: no classification provided. Collection method: in vitro. Allele origin: not applicable. Functional consequence: retained intron. Not counted in ClinVar's aggregate classification.

Dr. Peter K. Rogan Lab, Western University
No classification provided (evidence only). Condition: Chronic lymphocytic leukemia/small lymphocytic lymphoma. Review status: no classification provided. Collection method: in vitro. Allele origin: not applicable. Functional consequence: retained intron. Not counted in ClinVar's aggregate classification.

Dr. Peter K. Rogan Lab, Western University
No classification provided (evidence only). Condition: Chronic lymphocytic leukemia/small lymphocytic lymphoma. Review status: no classification provided. Collection method: in vitro. Allele origin: not applicable. Functional consequence: retained intron. Not counted in ClinVar's aggregate classification.

Dr. Peter K. Rogan Lab, Western University
No classification provided (evidence only). Condition: Chronic lymphocytic leukemia/small lymphocytic lymphoma. Review status: no classification provided. Collection method: in vitro. Allele origin: not applicable. Functional consequence: retained intron. Not counted in ClinVar's aggregate classification.

Dr. Peter K. Rogan Lab, Western University
No classification provided (evidence only). Condition: Chronic lymphocytic leukemia/small lymphocytic lymphoma. Review status: no classification provided. Collection method: in vitro. Allele origin: not applicable. Functional consequence: retained intron. Not counted in ClinVar's aggregate classification.

Dr. Peter K. Rogan Lab, Western University
No classification provided (evidence only). Condition: Chronic lymphocytic leukemia/small lymphocytic lymphoma. Review status: no classification provided. Collection method: in vitro. Allele origin: not applicable. Functional consequence: retained intron. Not counted in ClinVar's aggregate classification.

Dr. Peter K. Rogan Lab, Western University
No classification provided (evidence only). Condition: Chronic lymphocytic leukemia/small lymphocytic lymphoma. Review status: no classification provided. Collection method: in vitro. Allele origin: not applicable. Functional consequence: retained intron. Not counted in ClinVar's aggregate classification.

Dr. Peter K. Rogan Lab, Western University
No classification provided (evidence only). Condition: Chronic lymphocytic leukemia/small lymphocytic lymphoma. Review status: no classification provided. Collection method: in vitro. Allele origin: not applicable. Functional consequence: retained intron. Not counted in ClinVar's aggregate classification.

Dr. Peter K. Rogan Lab, Western University
No classification provided (evidence only). Condition: Chronic lymphocytic leukemia/small lymphocytic lymphoma. Review status: no classification provided. Collection method: in vitro. Allele origin: not applicable. Functional consequence: retained intron. Not counted in ClinVar's aggregate classification.

Dr. Peter K. Rogan Lab, Western University
No classification provided (evidence only). Condition: Chronic lymphocytic leukemia/small lymphocytic lymphoma. Review status: no classification provided. Collection method: in vitro. Allele origin: not applicable. Functional consequence: retained intron. Not counted in ClinVar's aggregate classification.

Dr. Peter K. Rogan Lab, Western University
No classification provided (evidence only). Condition: Chronic lymphocytic leukemia/small lymphocytic lymphoma. Review status: no classification provided. Collection method: in vitro. Allele origin: not applicable. Functional consequence: retained intron. Not counted in ClinVar's aggregate classification.

Dr. Peter K. Rogan Lab, Western University
No classification provided (evidence only). Condition: Chronic lymphocytic leukemia/small lymphocytic lymphoma. Review status: no classification provided. Collection method: in vitro. Allele origin: not applicable. Functional consequence: retained intron. Not counted in ClinVar's aggregate classification.

Dr. Peter K. Rogan Lab, Western University
No classification provided (evidence only). Condition: Chronic lymphocytic leukemia/small lymphocytic lymphoma. Review status: no classification provided. Collection method: in vitro. Allele origin: not applicable. Functional consequence: retained intron. Not counted in ClinVar's aggregate classification.

Dr. Peter K. Rogan Lab, Western University
No classification provided (evidence only). Condition: Nonpapillary renal cell carcinoma. Review status: no classification provided. Collection method: in vitro. Allele origin: not applicable. Functional consequence: retained intron. Not counted in ClinVar's aggregate classification.

Dr. Peter K. Rogan Lab, Western University
No classification provided (evidence only). Condition: Nonpapillary renal cell carcinoma. Review status: no classification provided. Collection method: in vitro. Allele origin: not applicable. Functional consequence: retained intron. Not counted in ClinVar's aggregate classification.

Dr. Peter K. Rogan Lab, Western University
No classification provided (evidence only). Condition: Nonpapillary renal cell carcinoma. Review status: no classification provided. Collection method: in vitro. Allele origin: not applicable. Functional consequence: retained intron. Not counted in ClinVar's aggregate classification.

Dr. Peter K. Rogan Lab, Western University
No classification provided (evidence only). Condition: Nonpapillary renal cell carcinoma. Review status: no classification provided. Collection method: in vitro. Allele origin: not applicable. Functional consequence: retained intron. Not counted in ClinVar's aggregate classification.

Dr. Peter K. Rogan Lab, Western University
No classification provided (evidence only). Condition: Nonpapillary renal cell carcinoma. Review status: no classification provided. Collection method: in vitro. Allele origin: not applicable. Functional consequence: retained intron. Not counted in ClinVar's aggregate classification.

Dr. Peter K. Rogan Lab, Western University
No classification provided (evidence only). Condition: Nonpapillary renal cell carcinoma. Review status: no classification provided. Collection method: in vitro. Allele origin: not applicable. Functional consequence: retained intron. Not counted in ClinVar's aggregate classification.

Dr. Peter K. Rogan Lab, Western University
No classification provided (evidence only). Condition: Ovarian cancer. Review status: no classification provided. Collection method: in vitro. Allele origin: not applicable. Functional consequence: retained intron. Not counted in ClinVar's aggregate classification.

Dr. Peter K. Rogan Lab, Western University
No classification provided (evidence only). Condition: Ovarian cancer. Review status: no classification provided. Collection method: in vitro. Allele origin: not applicable. Functional consequence: retained intron. Not counted in ClinVar's aggregate classification.

Dr. Peter K. Rogan Lab, Western University
No classification provided (evidence only). Condition: Ovarian cancer. Review status: no classification provided. Collection method: in vitro. Allele origin: not applicable. Functional consequence: retained intron. Not counted in ClinVar's aggregate classification.

Dr. Peter K. Rogan Lab, Western University
No classification provided (evidence only). Condition: Ovarian cancer. Review status: no classification provided. Collection method: in vitro. Allele origin: not applicable. Functional consequence: retained intron. Not counted in ClinVar's aggregate classification.

Dr. Peter K. Rogan Lab, Western University
No classification provided (evidence only). Condition: Ovarian cancer. Review status: no classification provided. Collection method: in vitro. Allele origin: not applicable. Functional consequence: retained intron. Not counted in ClinVar's aggregate classification.